The following is an entry in ClinVar:

NM_001291088.2(WDR87):c.2861C>A (p.Ser954Tyr)

Gene: WDR87 (WD repeat domain 87; minus strand). Cytogenetic location: 19q13.13.
Variant type: single nucleotide variant.
Coding change: c.2861C>A on transcript NM_001291088.2 (MANE Select); coding-DNA position 2861, C replaced by A.
Protein change: p.Ser954Tyr; replaces serine 954 with tyrosine.
Molecular consequence: missense variant.
Genome position (GRCh38, 1-based): chr19:37,892,842, G>T on the plus strand (C>A on the coding strand, the complement: WDR87 is on the minus strand). VCF-style: chr19-37892842-G-T. GRCh37 (hg19) VCF-style: chr19-38383482-G-T.
Other names: c.2744C>A, p.Ser915Tyr (NM_031951.5); short protein forms S915Y, S954Y.
Identifiers: ClinVar variation 4707996 (VCV004707996.1).

ClinVar aggregate classification (germline): Uncertain significance (1 of 4 stars; one submission).

Submission:

Labcorp Genetics (formerly Invitae), Labcorp
Classification: Uncertain significance. Last evaluated: 2025-11-27. Review status: criteria provided, single submitter. Criteria: Invitae Variant Classification Sherloc (09022015). Collection method: clinical testing. Allele origin: germline.
Comment: This sequence change replaces serine, which is neutral and polar, with tyrosine, which is neutral and polar, at codon 915 of the WDR87 protein (p.Ser915Tyr). This variant is not present in population databases (gnomAD no frequency). This variant has not been reported in the literature in individuals affected with WDR87-related conditions. An algorithm developed to predict the effect of missense changes on protein structure and function (PolyPhen-2) suggests that this variant is likely to be disruptive. In summary, the available evidence is currently insufficient to determine the role of this variant in disease. Therefore, it has been classified as a Variant of Uncertain Significance.